The following is an entry in ClinVar:

ClinVar aggregate classification (germline): Uncertain significance (1 of 4 stars; one submission).

Submission:

Labcorp Genetics (formerly Invitae), Labcorp
Classification: Uncertain significance. Last evaluated: 2025-06-12. Review status: criteria provided, single submitter. Criteria: Invitae Variant Classification Sherloc (09022015). Collection method: clinical testing. Allele origin: germline.
Comment: This sequence change replaces isoleucine, which is neutral and non-polar, with leucine, which is neutral and non-polar, at codon 151 of the C1S protein (p.Ile151Leu). This variant is not present in population databases (gnomAD no frequency). This variant has not been reported in the literature in individuals affected with C1S-related conditions. ClinVar contains an entry for this variant (Variation ID: 2861770). An algorithm developed to predict the effect of missense changes on protein structure and function outputs the following: PolyPhen-2: "Benign". The leucine amino acid residue is found in multiple mammalian species, which suggests that this missense change does not adversely affect protein function. In summary, the available evidence is currently insufficient to determine the role of this variant in disease. Therefore, it has been classified as a Variant of Uncertain Significance.

NM_001734.5(C1S):c.451A>C (p.Ile151Leu)

Gene: C1S (complement C1s; plus strand). Cytogenetic location: 12p13.31.
Variant type: single nucleotide variant.
Coding change: c.451A>C on transcript NM_001734.5 (MANE Select); coding-DNA position 451, A replaced by C.
Protein change: p.Ile151Leu; replaces isoleucine 151 with leucine.
Molecular consequence: missense variant. On other transcripts: 5 prime UTR variant (1).
Genome position (GRCh38, 1-based): chr12:7,064,326, A>C. VCF-style: chr12-7064326-A-C. GRCh37 (hg19) VCF-style: chr12-7171630-A-C.
Other names: c.451A>C, p.Ile151Leu (NM_201442.4); c.-51A>C (NM_001346850.2); short protein forms I151L.
Identifiers: ClinVar variation 2861770 (VCV002861770.3), dbSNP rs2539596548, ClinGen allele CA383692352.